The following is an entry in ClinVar:

ClinVar aggregate classification (germline): Uncertain significance (1 of 4 stars; one submission).

Submission:

GeneDx
Classification: Uncertain significance. Last evaluated: 2022-12-02. Review status: criteria provided, single submitter. Criteria: GeneDx Variant Classification Process June 2021. Collection method: clinical testing. Allele origin: germline. Affected: yes.
Comment: Not observed at significant frequency in large population cohorts (gnomAD); In silico analysis supports that this missense variant does not alter protein structure/function; Has not been previously published as pathogenic or benign to our knowledge

NM_016333.4(SRRM2):c.6928A>C (p.Ser2310Arg)

Gene: SRRM2 (serine/arginine repetitive matrix 2; plus strand). Cytogenetic location: 16p13.3.
Variant type: single nucleotide variant.
Coding change: c.6928A>C on transcript NM_016333.4 (MANE Select); coding-DNA position 6928, A replaced by C.
Protein change: p.Ser2310Arg; replaces serine 2310 with arginine.
Molecular consequence: missense variant.
Genome position (GRCh38, 1-based): chr16:2,767,456, A>C. VCF-style: chr16-2767456-A-C. GRCh37 (hg19) VCF-style: chr16-2817457-A-C.
Other names: short protein forms S2310R.
Identifiers: ClinVar variation 2504304 (VCV002504304.1), dbSNP rs2505614693, ClinGen allele CA394428063.